The following is an entry in ClinVar:

NM_000477.7(ALB):c.970G>C (p.Ala324Pro)

Gene: ALB (albumin; plus strand). Cytogenetic location: 4q13.3.
Variant type: single nucleotide variant.
Coding change: c.970G>C on transcript NM_000477.7 (MANE Select); coding-DNA position 970, G replaced by C.
Protein change: p.Ala324Pro; replaces alanine 324 with proline.
Molecular consequence: missense variant.
Genome position (GRCh38, 1-based): chr4:73,413,546, G>C. VCF-style: chr4-73413546-G-C. GRCh37 (hg19) VCF-style: chr4-74279263-G-C.
Other names: c.970G>C (NM_000477.5); short protein forms A324P.
Identifiers: ClinVar variation 1365904 (VCV001365904.9), dbSNP rs201904433, ClinGen allele CA2959501.

ClinVar aggregate classification (germline): Uncertain significance. Review status: criteria provided, multiple submitters, no conflicts (2 of 4 stars). 2 submissions from 2 submitters: Uncertain significance (2). Last evaluated 2025-06-08.

Conditions:
Inborn genetic diseases. Identifiers: MedGen C0950123, MeSH D030342.

Allele frequency attached by ClinVar (database versions not stated): gnomAD exomes below 0.00001 and 0.00001; gnomAD 0.00001 and 0.00002; ExAC 0.00002; TOPMed 0.00002; 1000 Genomes Project 30x 0.00016; 1000 Genomes Project 0.00020.
gnomAD v4.1: 10 of 1,614,198 alleles (0.00062%); highest among the groups gnomAD compares: East Asian, 0.011%; no homozygotes.

Submissions (2):

Ambry Genetics
Classification: Uncertain significance for Inborn genetic diseases. Last evaluated: 2025-06-08. Review status: criteria provided, single submitter. Criteria: Ambry Variant Classification Scheme 2023. Collection method: clinical testing. Allele origin: germline.

Labcorp Genetics (formerly Invitae), Labcorp
Classification: Uncertain significance. Last evaluated: 2022-07-12. Review status: criteria provided, single submitter. Criteria: Invitae Variant Classification Sherloc (09022015). Collection method: clinical testing. Allele origin: germline.
Comment: This sequence change replaces alanine, which is neutral and non-polar, with proline, which is neutral and non-polar, at codon 324 of the ALB protein (p.Ala324Pro). This variant is present in population databases (rs201904433, gnomAD 0.01%). This variant has not been reported in the literature in individuals affected with ALB-related conditions. ClinVar contains an entry for this variant (Variation ID: 1365904). Algorithms developed to predict the effect of missense changes on protein structure and function are either unavailable or do not agree on the potential impact of this missense change (SIFT: "Not Available"; PolyPhen-2: "Benign"; Align-GVGD: "Not Available"). In summary, the available evidence is currently insufficient to determine the role of this variant in disease. Therefore, it has been classified as a Variant of Uncertain Significance.